The following is an entry in ClinVar:

ClinVar aggregate classification (germline): Uncertain significance (1 of 4 stars; one submission).

Conditions:
Immunodeficiency 39 (IMD39). Identifiers: Orphanet 574918, MedGen C4225358, MONDO:0014597, OMIM 616345.

Allele frequency attached by ClinVar (database versions not stated): gnomAD exomes below 0.00001; gnomAD 0.00001; TOPMed 0.00001.
gnomAD v4.1: 3 of 1,581,186 alleles (0.00019%); highest among the groups gnomAD compares: Non-Finnish European, 0.00026%; no homozygotes.

Submission:

Labcorp Genetics (formerly Invitae), Labcorp
Classification: Uncertain significance for Immunodeficiency 39. Last evaluated: 2023-07-17. Review status: criteria provided, single submitter. Criteria: Invitae Variant Classification Sherloc (09022015). Collection method: clinical testing. Allele origin: germline.
Comment: In summary, the available evidence is currently insufficient to determine the role of this variant in disease. Therefore, it has been classified as a Variant of Uncertain Significance. Variants that disrupt the consensus splice site are a relatively common cause of aberrant splicing (PMID: 17576681, 9536098). Algorithms developed to predict the effect of sequence changes on RNA splicing suggest that this variant is not likely to affect RNA splicing. This variant has not been reported in the literature in individuals affected with IRF7-related conditions. This variant is not present in population databases (gnomAD no frequency). This sequence change falls in intron 1 of the IRF7 gene. It does not directly change the encoded amino acid sequence of the IRF7 protein. It affects a nucleotide within the consensus splice site.

Literature cited by the submitters: PubMed 17576681; PubMed 9536098.

NM_001572.5(IRF7):c.183+4G>C

Gene: IRF7 (interferon regulatory factor 7; minus strand). Cytogenetic location: 11p15.5.
Variant type: single nucleotide variant.
Coding change: c.183+4G>C on transcript NM_001572.5 (MANE Select); 4 bases into the intron after coding-DNA position 183, G replaced by C.
Molecular consequence: intron variant.
Genome position (GRCh38, 1-based): chr11:615,093, C>G on the plus strand (G>C on the coding strand, the complement: IRF7 is on the minus strand). VCF-style: chr11-615093-C-G. GRCh37 (hg19) VCF-style: chr11-615093-C-G.
Other names: c.183+4G>C (NM_004029.4); c.222+4G>C (NM_004031.4).
Identifiers: ClinVar variation 2700337 (VCV002700337.3), dbSNP rs1009903515, ClinGen allele CA216913437.